The following is an entry in ClinVar:

NM_001868.4(CPA1):c.473A>C (p.Tyr158Ser)

Gene: CPA1 (carboxypeptidase A1; plus strand). Cytogenetic location: 7q32.2.
Variant type: single nucleotide variant.
Coding change: c.473A>C on transcript NM_001868.4 (MANE Select); coding-DNA position 473, A replaced by C.
Protein change: p.Tyr158Ser; replaces tyrosine 158 with serine.
Molecular consequence: missense variant.
Genome position (GRCh38, 1-based): chr7:130,382,199, A>C. VCF-style: chr7-130382199-A-C. GRCh37 (hg19) VCF-style: chr7-130022040-A-C.
Other names: short protein forms Y158S.
Identifiers: ClinVar variation 4869378 (VCV004869378.1).

ClinVar aggregate classification (germline): Uncertain significance (1 of 4 stars; one submission).

Conditions:
Hereditary pancreatitis (PCTT). Also called: Hereditary chronic pancreatitis; PRSS1-Related Hereditary Pancreatitis. Identifiers: Orphanet 676, MedGen C0238339, MONDO:0008185, OMIM 167800.

Submission:

Ambry Genetics
Classification: Uncertain significance for Hereditary pancreatitis. Last evaluated: 2026-05-21. Review status: criteria provided, single submitter. Criteria: Ambry Variant Classification Scheme 2023. Collection method: clinical testing. Allele origin: germline.
Comment: The p.Y158S variant (also known as c.473A>C), located in coding exon 4 of the CPA1 gene, results from an A to C substitution at nucleotide position 473. The tyrosine at codon 158 is replaced by serine, an amino acid with dissimilar properties. This amino acid position is conserved. In addition, this alteration is predicted to be tolerated by in silico analysis. Based on the available evidence, the clinical significance of this variant remains unclear.